The following is an entry in ClinVar:

NM_000834.5(GRIN2B):c.811G>A (p.Ala271Thr)

Gene: GRIN2B (glutamate ionotropic receptor NMDA type subunit 2B; minus strand). Cytogenetic location: 12p13.1.
Variant type: single nucleotide variant.
Coding change: c.811G>A on transcript NM_000834.5 (MANE Select); coding-DNA position 811, G replaced by A.
Protein change: p.Ala271Thr; replaces alanine 271 with threonine.
Molecular consequence: missense variant.
Genome position (GRCh38, 1-based): chr12:13,753,516, C>T on the plus strand (G>A on the coding strand, the complement: GRIN2B is on the minus strand). VCF-style: chr12-13753516-C-T. GRCh37 (hg19) VCF-style: chr12-13906450-C-T.
Other names: short protein forms A271T.
Identifiers: ClinVar variation 1201782 (VCV001201782.3), dbSNP rs1863525014, ClinGen allele CA384053388.

ClinVar aggregate classification (germline): Uncertain significance (1 of 4 stars; one submission).

Allele frequency attached by ClinVar (database versions not stated): gnomAD exomes below 0.00001; TOPMed 0.00001.
gnomAD v4.1: 1 of 1,614,180 alleles (0.000062%); highest among the groups gnomAD compares: Non-Finnish European, 0.000085%; no homozygotes.

Submission:

GeneDx
Classification: Uncertain significance. Last evaluated: 2021-04-07. Review status: criteria provided, single submitter. Criteria: GeneDx Variant Classification Process June 2021. Collection method: clinical testing. Allele origin: germline. Affected: yes.
Comment: Not observed in large population cohorts (Lek et al., 2016); In silico analysis, which includes protein predictors and evolutionary conservation, supports that this variant does not alter protein structure/function; Has not been previously published as pathogenic or benign to our knowledge